The following is an entry in ClinVar:

NM_000142.5(FGFR3):c.2295G>A (p.Ala765=)

Gene: FGFR3 (fibroblast growth factor receptor 3; plus strand). Cytogenetic location: 4p16.3.
Variant type: single nucleotide variant.
Coding change: c.2295G>A on transcript NM_000142.5 (MANE Select); coding-DNA position 2295, G replaced by A.
Protein change: p.Ala765=; no amino-acid change (alanine 765 retained).
Molecular consequence: synonymous variant. On other transcripts: missense variant (1), non-coding transcript variant (1).
Genome position (GRCh38, 1-based): chr4:1,807,136, G>A. VCF-style: chr4-1807136-G-A. GRCh37 (hg19) VCF-style: chr4-1808863-G-A.
Other names: c.2301G>A, p.Ala767= (NM_001163213.2); c.2298G>A, p.Ala766= (NM_001354809.2); c.2227G>A, p.Ala743Thr (NM_001354810.2); c.1959G>A, p.Ala653= (NM_022965.4); short protein forms A743T.
Identifiers: ClinVar variation 2628613 (VCV002628613.1), dbSNP rs1467842957, ClinGen allele CA355987439.

ClinVar aggregate classification (germline): Uncertain significance (1 of 4 stars; one submission).

Conditions:
FGFR3-related disorder. Also called: FGFR3-related disorders.

Allele frequency attached by ClinVar (database versions not stated): gnomAD 0.00001; TOPMed below 0.00001; gnomAD exomes below 0.00001.
gnomAD v4.1: 7 of 1,591,736 alleles (0.00044%); highest among the groups gnomAD compares: Non-Finnish European, 0.0006%; no homozygotes.

Submission:

PreventionGenetics, part of Exact Sciences
Classification: Uncertain significance for FGFR3-related condition. Last evaluated: 2023-08-16. Review status: criteria provided, single submitter. Criteria: ACMG Guidelines, 2015. Collection method: clinical testing. Allele origin: germline.
Comment: The FGFR3 c.2227G>A variant is predicted to result in the amino acid substitution p.Ala743Thr. To our knowledge, this variant has not been reported in the literature. This variant is reported in 0.0063% of alleles in individuals of East Asian descent in gnomAD. At this time, the clinical significance of this variant is uncertain due to the absence of conclusive functional and genetic evidence.